The following is an entry in ClinVar:

ClinVar aggregate classification (germline): Pathogenic/Likely pathogenic. Review status: criteria provided, multiple submitters, no conflicts (2 of 4 stars). 2 submissions from 2 submitters: Pathogenic (1); Likely pathogenic (1). Last evaluated 2024-09-17.

Conditions:
Autosomal recessive osteopetrosis 1. Also called: ALBERS-SCHONBERG DISEASE, AUTOSOMAL RECESSIVE; TCIRG1-Related Osteopetrosis; TCIRG1-Related Autosomal Recessive Osteopetrosis. Identifiers: Orphanet 667, MedGen C1850127, MONDO:0009815, OMIM 259700.

Allele frequency attached by ClinVar (database versions not stated): gnomAD 0.00001; TOPMed 0.00001.
gnomAD v4.1: 1 of 1,607,014 alleles (0.000062%); highest among the groups gnomAD compares: Non-Finnish European, 0.000085%; no homozygotes.

Submissions (2):

Labcorp Genetics (formerly Invitae), Labcorp
Classification: Likely pathogenic. Last evaluated: 2024-09-17. Review status: criteria provided, single submitter. Criteria: Invitae Variant Classification Sherloc (09022015). Collection method: clinical testing. Allele origin: germline.
Comment: This sequence change affects an acceptor splice site in intron 6 of the TCIRG1 gene. It is expected to disrupt RNA splicing. Variants that disrupt the donor or acceptor splice site typically lead to a loss of protein function (PMID: 16199547), and loss-of-function variants in TCIRG1 are known to be pathogenic (PMID: 10888887, 10942435, 11532986, 19448635). This variant is not present in population databases (gnomAD no frequency). Disruption of this splice site has been observed in individual(s) with malignant osteopetrosis (PMID: 12552563). This variant is also known as IVS6-2A>C. ClinVar contains an entry for this variant (Variation ID: 1068057). Algorithms developed to predict the effect of sequence changes on RNA splicing suggest that this variant may disrupt the consensus splice site. In summary, the currently available evidence indicates that the variant is pathogenic, but additional data are needed to prove that conclusively. Therefore, this variant has been classified as Likely Pathogenic.

Baylor Genetics
Classification: Pathogenic for Autosomal recessive osteopetrosis 1. Last evaluated: 2023-11-10. Review status: criteria provided, single submitter. Criteria: ACMG Guidelines, 2015. Collection method: clinical testing. Allele origin: unknown.

Literature cited by the submitters: PubMed 16199547 (cited by Labcorp Genetics (formerly Invitae), Labcorp); PubMed 10888887 (cited by Labcorp Genetics (formerly Invitae), Labcorp); PubMed 10942435 (cited by Labcorp Genetics (formerly Invitae), Labcorp); PubMed 11532986 (cited by Labcorp Genetics (formerly Invitae), Labcorp); PubMed 19448635 (cited by Labcorp Genetics (formerly Invitae), Labcorp); PubMed 12552563 (cited by Labcorp Genetics (formerly Invitae), Labcorp).

NM_006019.4(TCIRG1):c.631-2A>C

Gene: TCIRG1 (T cell immune regulator 1, ATPase H+ transporting V0 subunit a3; plus strand). Cytogenetic location: 11q13.2.
Variant type: single nucleotide variant.
Coding change: c.631-2A>C on transcript NM_006019.4 (MANE Select); the canonical splice acceptor site of the intron before coding-DNA position 631, A replaced by C.
Molecular consequence: splice acceptor variant.
Genome position (GRCh38, 1-based): chr11:68,043,569, A>C. VCF-style: chr11-68043569-A-C. GRCh37 (hg19) VCF-style: chr11-67811036-A-C.
Other names: c.-280-2A>C (NM_001351059.2); c.-18-2A>C (NM_006053.4).
Identifiers: ClinVar variation 1068057 (VCV001068057.10), dbSNP rs1214876593, ClinGen allele CA381578374.
Genomic context (GRCh38, chr11:68,043,569, plus strand): 5'-GCGCTGGGCTGGGGGGTCCTGGGCAGAGCGGGACCCCAGAGTCAGCTGAGCCTGCTCTGC[A>C]GGGCGAGCCAGCCACGTGGATGACCTTCCTCATCTCCTACTGGGGTGAGCAGATCGGACA-3'